The following is an entry in ClinVar:

ClinVar aggregate classification (germline): Uncertain significance (1 of 4 stars; one submission).

Conditions:
Hereditary cancer-predisposing syndrome. Also called: Neoplastic Syndromes, Hereditary; Hereditary Cancer Syndrome; Hereditary neoplastic syndrome; Tumor predisposition. Identifiers: Orphanet 140162, MedGen C0027672, MeSH D009386, MONDO:0015356.

Submission:

Ambry Genetics
Classification: Uncertain significance for Hereditary cancer-predisposing syndrome. Last evaluated: 2023-04-22. Review status: criteria provided, single submitter. Criteria: Ambry Variant Classification Scheme 2023. Collection method: clinical testing. Allele origin: germline.
Comment: The p.W671C variant (also known as c.2013G>T), located in coding exon 18 of the POLE gene, results from a G to T substitution at nucleotide position 2013. The tryptophan at codon 671 is replaced by cysteine, an amino acid with highly dissimilar properties. This amino acid position is conserved. In addition, this alteration is predicted to be deleterious by in silico analysis. Since supporting evidence is limited at this time, the clinical significance of this alteration remains unclear.

NM_006231.4(POLE):c.2013G>T (p.Trp671Cys)

Gene: POLE (DNA polymerase epsilon, catalytic subunit; minus strand). Cytogenetic location: 12q24.33.
Variant type: single nucleotide variant.
Coding change: c.2013G>T on transcript NM_006231.4 (MANE Select); coding-DNA position 2013, G replaced by T.
Protein change: p.Trp671Cys; replaces tryptophan 671 with cysteine.
Molecular consequence: missense variant.
Genome position (GRCh38, 1-based): chr12:132,668,648, C>A on the plus strand (G>T on the coding strand, the complement: POLE is on the minus strand). VCF-style: chr12-132668648-C-A. GRCh37 (hg19) VCF-style: chr12-133245234-C-A.
Other names: short protein forms W671C.
Identifiers: ClinVar variation 2561540 (VCV002561540.2), dbSNP rs1174604722, ClinGen allele CA387354697.